The following is an entry in ClinVar:

NM_001039348.3(EFEMP1):c.757G>A (p.Val253Ile)

Gene: EFEMP1 (EGF-like fibulin extracellular matrix protein 1; minus strand). Cytogenetic location: 2p16.1.
Variant type: single nucleotide variant.
Coding change: c.757G>A on transcript NM_001039348.3 (MANE Select); coding-DNA position 757, G replaced by A.
Protein change: p.Val253Ile; replaces valine 253 with isoleucine.
Molecular consequence: missense variant.
Genome position (GRCh38, 1-based): chr2:55,877,749, C>T on the plus strand (G>A on the coding strand, the complement: EFEMP1 is on the minus strand). VCF-style: chr2-55877749-C-T. GRCh37 (hg19) VCF-style: chr2-56104884-C-T.
Other names: c.757G>A, p.Val253Ile (NM_001039349.3); c.757G>A (NM_001039348.2); short protein forms V253I.
Identifiers: ClinVar variation 1982446 (VCV001982446.6), dbSNP rs142542256, ClinGen allele CA1668846.

ClinVar aggregate classification (germline): Conflicting classifications of pathogenicity. Review status: criteria provided, conflicting classifications (1 of 4 stars). 3 submissions from 3 submitters: Uncertain significance (2); Likely benign (1). Last evaluated 2025-06-26.

Conditions:
EFEMP1-related disorder. Also called: EFEMP1-related condition.

Allele frequency attached by ClinVar (database versions not stated): gnomAD 0.00003; TOPMed 0.00005; ExAC 0.00006; ESP Exome Variant Server 0.00015.
gnomAD v4.1: 35 of 1,612,962 alleles (0.0022%); highest among the groups gnomAD compares: South Asian, 0.012%; no homozygotes.

Submissions (3):

Labcorp Genetics (formerly Invitae), Labcorp
Classification: Uncertain significance. Last evaluated: 2025-06-26. Review status: criteria provided, single submitter. Criteria: Invitae Variant Classification Sherloc (09022015). Collection method: clinical testing. Allele origin: germline.
Comment: This sequence change replaces valine, which is neutral and non-polar, with isoleucine, which is neutral and non-polar, at codon 253 of the EFEMP1 protein (p.Val253Ile). This variant is present in population databases (rs142542256, gnomAD 0.02%). This variant has not been reported in the literature in individuals affected with EFEMP1-related conditions. ClinVar contains an entry for this variant (Variation ID: 1982446). Invitae Evidence Modeling of protein sequence and biophysical properties (such as structural, functional, and spatial information, amino acid conservation, physicochemical variation, residue mobility, and thermodynamic stability) indicates that this missense variant is not expected to disrupt EFEMP1 protein function with a negative predictive value of 80%. In summary, the available evidence is currently insufficient to determine the role of this variant in disease. Therefore, it has been classified as a Variant of Uncertain Significance.

PreventionGenetics, part of Exact Sciences
Classification: Uncertain significance for EFEMP1-related condition. Last evaluated: 2025-03-18. Review status: criteria provided, single submitter. Criteria: ACMG Guidelines, 2015. Collection method: clinical testing. Allele origin: germline.
Comment: The EFEMP1 c.757G>A variant is predicted to result in the amino acid substitution p.Val253Ile. To our knowledge, this variant has not been reported in the literature. This variant is reported in 0.020% of alleles in individuals of South Asian descent in gnomAD. At this time, the clinical significance of this variant is uncertain due to the absence of conclusive functional and genetic evidence.

Blueprint Genetics
Classification: Likely benign. Last evaluated: 2024-06-05. Review status: criteria provided, single submitter. Criteria: ACMG Guidelines, 2015. Collection method: clinical testing. Allele origin: germline.